The following is an entry in ClinVar:

NM_001077350.3(NPRL3):c.*1096C>T

Genes: MPG (N-methylpurine DNA glycosylase; plus strand), NPRL3 (NPR3 like, GATOR1 complex subunit; minus strand). Cytogenetic location: 16p13.3.
Variant type: single nucleotide variant.
Coding change: c.*1096C>T on transcript NM_001077350.3 (MANE Select); 1096 bases downstream of the stop codon, C replaced by T.
Molecular consequence: 3 prime UTR variant. On other transcripts: nonsense (3).
Genome position (GRCh38, 1-based): chr16:85,609, G>A on the plus strand (C>T on the coding strand, the complement: NPRL3 is on the minus strand). VCF-style: chr16-85609-G-A. GRCh37 (hg19) VCF-style: chr16-135608-G-A.
Other names: c.714G>A, p.Trp238Ter (NM_001015052.3); c.678G>A, p.Trp226Ter (NM_001015054.3); c.729G>A, p.Trp243Ter (NM_002434.4); c.*1096C>T (NM_001039476.3, NM_001243247.2, NM_001243248.2 and 1 more transcripts); short protein forms W226*, W238*, W243*.
Identifiers: ClinVar variation 3251408 (VCV003251408.1), dbSNP rs202204500.
Genomic context (GRCh38, chr16:85,609, plus strand): 5'-GGCCCTGGCCATCAACAAGAGCTTTGACCAGAGGGACCTGGCACAGGATGAAGCTGTATG[G>A]CTGGAGCGTGGTCCCCTGGAGCCCAGTGAGCCGGCTGTAGTGGCAGCAGCCCGGGTGGGC-3'

ClinVar aggregate classification (germline): Uncertain significance (1 of 4 stars; one submission).

Allele frequency attached by ClinVar (database versions not stated): TOPMed 0.00001.
gnomAD v4.1: 3 of 1,607,806 alleles (0.00019%); highest among the groups gnomAD compares: Admixed American, 0.005%; no homozygotes.

Submission:

Women's Health and Genetics/Laboratory Corporation of America, LabCorp
Classification: Uncertain significance. Last evaluated: 2024-04-09. Review status: criteria provided, single submitter. Criteria: LabCorp Variant Classification Summary - May 2015. Collection method: clinical testing. Allele origin: germline.
Comment: Variant summary: NPRL3 c.*1096C>T is located in the untranslated mRNA region downstream of the termination codon. The variant allele was found at a frequency of 8.1e-06 in 245726 control chromosomes (gnomAD). The available data on variant occurrences in the general population are insufficient to allow any conclusion about variant significance. To our knowledge, no occurrence of c.*1096C>T in individuals affected with Epilepsy, Familial Focal, With Variable Foci 1 and no experimental evidence demonstrating its impact on protein function have been reported. No submitters have cited clinical-significance assessments for this variant to ClinVar. Based on the evidence outlined above, the variant was classified as uncertain significance.